The following is an entry in ClinVar:

NM_004176.5(SREBF1):c.1923G>A (p.Val641=)

Gene: SREBF1 (sterol regulatory element binding transcription factor 1; minus strand). Cytogenetic location: 17p11.2.
Variant type: single nucleotide variant.
Coding change: c.1923G>A on transcript NM_004176.5 (MANE Select); coding-DNA position 1923, G replaced by A.
Protein change: p.Val641=; no amino-acid change (valine 641 retained).
Molecular consequence: synonymous variant. On other transcripts: non-coding transcript variant (4).
Genome position (GRCh38, 1-based): chr17:17,816,581, C>T on the plus strand (G>A on the coding strand, the complement: SREBF1 is on the minus strand). VCF-style: chr17-17816581-C-T. GRCh37 (hg19) VCF-style: chr17-17719895-C-T.
Other names: c.2013G>A, p.Val671= (NM_001005291.3); c.1851G>A, p.Val617= (NM_001321096.3); c.1923G>A, p.Val641= (NM_001388385.1, NM_001388386.1); c.1962G>A, p.Val654= (NM_001388387.1); c.1878G>A, p.Val626= (NM_001388388.1); c.1917G>A, p.Val639= (NM_001388389.1); c.1905G>A, p.Val635= (NM_001388390.1); c.1896G>A, p.Val632= (NM_001388391.1); and 3 more.
Identifiers: ClinVar variation 5041037 (VCV005041037.1).

ClinVar aggregate classification (germline): Uncertain significance (1 of 4 stars; one submission).

Submission:

CeGaT Center for Human Genetics Tuebingen
Classification: Uncertain significance. Last evaluated: 2026-09-01. Review status: criteria provided, single submitter. Criteria: CeGaT Center For Human Genetics Tuebingen Variant Classification Criteria Version 2. Collection method: clinical testing. Allele origin: germline. Affected: yes. Observed: 1 variant allele.
Comment: SREBF1: PP3